The following is an entry in ClinVar:

ClinVar aggregate classification (germline): Pathogenic/Likely pathogenic. Review status: criteria provided, multiple submitters, no conflicts (2 of 4 stars). 2 submissions from 2 submitters: Pathogenic (1); Likely pathogenic (1). Last evaluated 2024-03-07.

Conditions:
Dyskeratosis congenita, autosomal recessive 5 (DKCB5). Identifiers: MedGen C3554656, MONDO:0014076, OMIM 615190.
Pulmonary fibrosis and/or bone marrow failure, Telomere-related, 3. Also called: PULMONARY FIBROSIS AND/OR BONE MARROW FAILURE SYNDROME, TELOMERE-RELATED, 3. Identifiers: Orphanet 2032, MedGen C4225346, MONDO:0014613, OMIM 616373.

Submissions (2):

Fulgent Genetics
Classification: Likely pathogenic for Dyskeratosis congenita, autosomal recessive 5; Pulmonary fibrosis and/or bone marrow failure, Telomere-related, 3. Last evaluated: 2024-03-07. Review status: criteria provided, single submitter. Criteria: ACMG Guidelines, 2015. Collection method: clinical testing. Allele origin: germline.

Labcorp Genetics (formerly Invitae), Labcorp
Classification: Pathogenic for Dyskeratosis congenita, autosomal recessive 5; Pulmonary fibrosis and/or bone marrow failure, Telomere-related, 3. Last evaluated: 2023-10-09. Review status: criteria provided, single submitter. Criteria: Invitae Variant Classification Sherloc (09022015). Collection method: clinical testing. Allele origin: germline.
Comment: This sequence change creates a premature translational stop signal (p.Cys934*) in the RTEL1 gene. It is expected to result in an absent or disrupted protein product. Loss-of-function variants in RTEL1 are known to be pathogenic (PMID: 23453664, 23959892, 25607374). This variant is not present in population databases (gnomAD no frequency). This variant has not been reported in the literature in individuals affected with RTEL1-related conditions. For these reasons, this variant has been classified as Pathogenic.

Literature cited by the submitters: PubMed 23453664 (cited by Labcorp Genetics (formerly Invitae), Labcorp); PubMed 23959892 (cited by Labcorp Genetics (formerly Invitae), Labcorp); PubMed 25607374 (cited by Labcorp Genetics (formerly Invitae), Labcorp).

NM_001283009.2(RTEL1):c.2802T>A (p.Cys934Ter)

Genes: RTEL1 (regulator of telomere elongation helicase 1; plus strand), RTEL1-TNFRSF6B (RTEL1-TNFRSF6B readthrough (NMD candidate); plus strand). Cytogenetic location: 20q13.33.
Variant type: single nucleotide variant.
Coding change: c.2802T>A on transcript NM_001283009.2 (MANE Select); coding-DNA position 2802, T replaced by A.
Protein change: p.Cys934Ter; replaces cysteine 934 with a stop codon.
Molecular consequence: nonsense. On other transcripts: non-coding transcript variant (1).
Genome position (GRCh38, 1-based): chr20:63,692,954, T>A. VCF-style: chr20-63692954-T-A. GRCh37 (hg19) VCF-style: chr20-62324307-T-A.
Other names: c.2133T>A, p.Cys711Ter (NM_001283010.1); c.2802T>A, p.Cys934Ter (NM_016434.4); c.2874T>A, p.Cys958Ter (NM_032957.5); short protein forms C711*, C958*, C934*.
Identifiers: ClinVar variation 2949393 (VCV002949393.4), dbSNP rs1446832873, ClinGen allele CA409683065.
Genomic context (GRCh38, chr20:63,692,954, plus strand): 5'-CTTCACCCAGGCCCTGCAGGACTACAAGGGTTCCGATGACTTCGCCGCCCTGGCCGCCTG[T>A]CTCGGCCCCCTCTTTGCTGAGGACCCCAAGAAGCACAACCTGCTCCAAGGTGCCCTGGCT-3'